The following is an entry in ClinVar:

NM_007059.4(KPTN):c.1272C>T (p.Asp424=)

Gene: KPTN (kaptin, actin binding protein; minus strand). Cytogenetic location: 19q13.32.
Variant type: single nucleotide variant.
Coding change: c.1272C>T on transcript NM_007059.4 (MANE Select); coding-DNA position 1272, C replaced by T.
Protein change: p.Asp424=; no amino-acid change (aspartic acid 424 retained).
Molecular consequence: synonymous variant. On other transcripts: non-coding transcript variant (1).
Genome position (GRCh38, 1-based): chr19:47,475,455, G>A on the plus strand (C>T on the coding strand, the complement: KPTN is on the minus strand). VCF-style: chr19-47475455-G-A. GRCh37 (hg19) VCF-style: chr19-47978712-G-A.
Other names: c.1104C>T, p.Asp368= (NM_001291296.2).
Identifiers: ClinVar variation 4873325 (VCV004873325.3).

ClinVar aggregate classification (germline): Likely benign. Review status: criteria provided, multiple submitters, no conflicts (2 of 4 stars). 2 submissions from 2 submitters: Likely benign (2). Last evaluated 2026-04-01.

gnomAD v4.1: 68 of 1,613,340 alleles (0.0042%); highest among the groups gnomAD compares: Non-Finnish European, 0.0047%; no homozygotes.

Submissions (2):

CeGaT Center for Human Genetics Tuebingen
Classification: Likely benign. Last evaluated: 2026-04-01. Review status: criteria provided, single submitter. Criteria: CeGaT Center For Human Genetics Tuebingen Variant Classification Criteria Version 2. Collection method: clinical testing. Allele origin: germline. Affected: yes. Observed: 1 variant allele.
Comment: KPTN: BP4, BP7

Blueprint Genetics
Classification: Likely benign. Last evaluated: 2022-01-11. Review status: criteria provided, single submitter. Criteria: ACMG Guidelines, 2015. Collection method: clinical testing. Allele origin: germline.